The following is an entry in ClinVar:

NM_001323289.2(CDKL5):c.554+11G>A

Gene: CDKL5 (cyclin dependent kinase like 5; plus strand). Cytogenetic location: Xp22.13.
Variant type: single nucleotide variant.
Coding change: c.554+11G>A on transcript NM_001323289.2 (MANE Select); 11 bases into the intron after coding-DNA position 554, G replaced by A.
Molecular consequence: intron variant.
Genome position (GRCh38, 1-based): chrX:18,584,364, G>A. VCF-style: chrX-18584364-G-A. GRCh37 (hg19) VCF-style: chrX-18602484-G-A.
Other names: c.554+11G>A (NM_003159.3, NM_001037343.2).
Identifiers: ClinVar variation 156092 (VCV000156092.13), dbSNP rs267608498, ClinGen allele CA199351.
Genomic context (GRCh38, chrX:18,584,364, plus strand): 5'-ACAGAGTACGTTGCCACCAGATGGTATCGGTCCCCAGAACTCTTACTTGGGTGAGTTACC[G>A]TCCCAAAATAGAATGACATTTCCACATCTGCTGATTCTATTGTCATTTGCTTTGAGTTCA-3'

ClinVar aggregate classification (germline): Benign/Likely benign. Review status: criteria provided, multiple submitters, no conflicts (2 of 4 stars). 5 submissions from 4 submitters: Benign (2); Likely benign (1). 2 of the submissions do not count toward it. Last evaluated 2024-10-16.

Conditions:
CDKL5 disorder. Identifiers: MedGen CN296942, MONDO:0100039.
Angelman syndrome-like. Identifiers: MedGen CN128785.
Developmental and epileptic encephalopathy, 2 (DEE2). Also called: CDKL5 deficiency disorder; INFANTILE SPASM SYNDROME, X-LINKED 2. Identifiers: Orphanet 1934, Orphanet 3451, Orphanet 505652, MedGen C4750718, MONDO:0010396, OMIM 300672.

Allele frequency attached by ClinVar (database versions not stated): gnomAD 0.00002 and 0.00001; gnomAD exomes 0.00004 and 0.00005; TOPMed 0.00001; ExAC 0.00002.
gnomAD v4.1: 43 of 1,082,464 alleles (0.004%); highest among the groups gnomAD compares: South Asian, 0.022%; no homozygotes.

Submissions (5):

Labcorp Genetics (formerly Invitae), Labcorp
Classification: Benign for Developmental and epileptic encephalopathy, 2; Angelman syndrome-like. Last evaluated: 2024-10-16. Review status: criteria provided, single submitter. Criteria: Invitae Variant Classification Sherloc (09022015). Collection method: clinical testing. Allele origin: germline.

Blueprint Genetics
Classification: Likely benign. Last evaluated: 2024-10-04. Review status: criteria provided, single submitter. Criteria: ACMG Guidelines, 2015. Collection method: clinical testing. Allele origin: germline.

Centre for Population Genomics, CPG
Classification: Benign for CDKL5 disorder. Last evaluated: 2024-07-12. Review status: criteria provided, single submitter. Criteria: McKnight et al. (Hum Mutat. 2022). Collection method: curation. Allele origin: germline. Inheritance: X-linked inheritance.
Comment: This variant has been collected from RettBASE and curated to current modified ACMG/AMP criteria. Based on the classification scheme defined by the ClinGen Rett/Angelman-like Expert Panel for Rett/AS-like Disorders Specifications to the ACMG/AMP Variant Interpretation Guidelines VCEP 3.0, this variant is classified as benign. At least the following criteria are met: The allele frequency of this variant in at least one population in gnomAD v4 is higher than the 0.03% threshold defined by the ClinGen Rett/Angelman-like Expert Panel for Rett/AS-like Disorders VCEP 3.0 (BA1).

RettBASE
Classification: Benign. Last evaluated: 2014-05-09. Review status: no assertion criteria provided. Collection method: curation. Allele origin: paternal, unknown. Observed: 2 variant alleles. Not counted in ClinVar's aggregate classification.

RettBASE
No classification provided. Review status: flagged submission. Collection method: not provided. Allele origin: not provided. Not counted in ClinVar's aggregate classification.
ClinVar note: Reason: This record appears to be redundant with a more recent record from the same submitter.
ClinVar note: Notes: SCV000189216 appears to be redundant with SCV000222271.

Literature cited by the submitters: PubMed 20397747 (cited by RettBASE).